The following is an entry in ClinVar:

NM_032119.4(ADGRV1):c.3289+194C>A

Gene: ADGRV1 (adhesion G protein-coupled receptor V1; plus strand). Cytogenetic location: 5q14.3.
Variant type: single nucleotide variant.
Coding change: c.3289+194C>A on transcript NM_032119.4 (MANE Select); 194 bases into the intron after coding-DNA position 3289, C replaced by A.
Molecular consequence: intron variant.
Genome position (GRCh38, 1-based): chr5:90,647,958, C>A. VCF-style: chr5-90647958-C-A. GRCh37 (hg19) VCF-style: chr5-89943775-C-A.
Identifiers: ClinVar variation 678793 (VCV000678793.1), dbSNP rs117543622, ClinGen allele CA121836438.

ClinVar aggregate classification (germline): Benign (1 of 4 stars; one submission).

Allele frequency attached by ClinVar (database versions not stated): gnomAD 0.99737 and 0.99746; 1000 Genomes Project 30x 0.99953; 1000 Genomes Project 0.99960.
gnomAD v4.1: 151,929 of 152,314 alleles (100%); highest among the groups gnomAD compares: Middle Eastern, 100%; 75,772 homozygotes.

Submission:

GeneDx
Classification: Benign. Last evaluated: 2018-06-14. Review status: criteria provided, single submitter. Criteria: GeneDx Variant Classification (06012015). Collection method: clinical testing. Allele origin: germline. Affected: yes.
Comment: This variant is considered likely benign or benign based on one or more of the following criteria: it is a conservative change, it occurs at a poorly conserved position in the protein, it is predicted to be benign by multiple in silico algorithms, and/or has population frequency not consistent with disease.